The following is an entry in ClinVar:

ClinVar aggregate classification (germline): Pathogenic/Likely pathogenic. Review status: criteria provided, multiple submitters, no conflicts (2 of 4 stars). 2 submissions from 2 submitters: Pathogenic (1); Likely pathogenic (1). Last evaluated 2026-03-12.

Conditions:
Axenfeld-Rieger syndrome type 3 (RIEG3). Also called: AXENFELD-RIEGER ANOMALY WITH CARDIAC DEFECTS AND/OR SENSORINEURAL HEARING LOSS. Identifiers: Orphanet 782, MedGen C2678503, MONDO:0011233, OMIM 602482.
FOXC1-related disorder. Also called: FOXC1-related condition.

Submissions (2):

PreventionGenetics, part of Exact Sciences
Classification: Likely pathogenic for FOXC1-related condition. Last evaluated: 2026-03-12. Review status: criteria provided, single submitter. Criteria: ACMG Guidelines, 2015. Collection method: clinical testing. Allele origin: germline.
Comment: The FOXC1 c.1157dupG variant is predicted to result in a frameshift and premature protein termination (p.Ala387Argfs*141). To our knowledge, this variant has not been reported in the literature or in a large population database (gnomAD), indicating this variant is rare. Frameshift variants in FOXC1 are expected to be pathogenic. This variant is interpreted as likely pathogenic.

Labcorp Genetics (formerly Invitae), Labcorp
Classification: Pathogenic for Axenfeld-Rieger syndrome type 3. Last evaluated: 2026-01-12. Review status: criteria provided, single submitter. Criteria: Invitae Variant Classification Sherloc (09022015). Collection method: clinical testing. Allele origin: germline.
Comment: This sequence change creates a premature translational stop signal (p.Ala387Argfs*141) in the FOXC1 gene. While this is not anticipated to result in nonsense mediated decay, it is expected to disrupt the last 167 amino acid(s) of the FOXC1 protein. The frequency data for this variant in the population databases is considered unreliable, as metrics indicate insufficient coverage at this position in the gnomAD database. This variant has not been reported in the literature in individuals affected with FOXC1-related conditions. ClinVar contains an entry for this variant (Variation ID: 2835447). This variant disrupts a region of the FOXC1 protein in which other variant(s) (p.Tyr497*) have been determined to be pathogenic (PMID: 28513611; internal data). This suggests that this is a clinically significant region of the protein, and that variants that disrupt it are likely to be disease-causing. For these reasons, this variant has been classified as Pathogenic.

Literature cited by the submitters: PubMed 28513611 (cited by Labcorp Genetics (formerly Invitae), Labcorp).

NM_001453.3(FOXC1):c.1157dup (p.Ala387fs)

Gene: FOXC1 (forkhead box C1; plus strand). Cytogenetic location: 6p25.3.
Variant type: Duplication.
Coding change: c.1157dup on transcript NM_001453.3 (MANE Select); coding-DNA position 1157, one base duplicated (G; older notation c.1157dupG).
Protein change: p.Ala387fs; shifts the reading frame from alanine 387.
Molecular consequence: frameshift variant.
Genome position (GRCh38, 1-based): chr6:1,611,602, G duplicated; the last of 6 consecutive G bases (chr6:1,611,597-1,611,602); duplicating any one gives the same sequence. VCF-style (leftmost placement, unchanged base first): chr6-1611596-C-CG. GRCh37 (hg19) VCF-style: chr6-1611831-C-CG.
Other names: c.1157dupG (NM_001453.2); short protein forms A387fs.
Identifiers: ClinVar variation 2835447 (VCV002835447.4), dbSNP rs1762550387, ClinGen allele CA2677060599.